The following is an entry in ClinVar:

NM_145178.4(ATOH7):c.210G>A (p.Trp70Ter)

Gene: ATOH7 (atonal bHLH transcription factor 7; minus strand). Cytogenetic location: 10q21.3.
Variant type: single nucleotide variant.
Coding change: c.210G>A on transcript NM_145178.4 (MANE Select); coding-DNA position 210, G replaced by A.
Protein change: p.Trp70Ter; replaces tryptophan 70 with a stop codon.
Molecular consequence: nonsense.
Genome position (GRCh38, 1-based): chr10:68,231,468, C>T on the plus strand (G>A on the coding strand, the complement: ATOH7 is on the minus strand). VCF-style: chr10-68231468-C-T. GRCh37 (hg19) VCF-style: chr10-69991225-C-T.
Other names: short protein forms W70*.
Identifiers: ClinVar variation 2006400 (VCV002006400.4), dbSNP rs2492043203, ClinGen allele CA376836707.
Genomic context (GRCh38, chr10:68,231,468, plus strand): 5'-CATGATGTAGCTCAGGGCCATCTGCAGGGTCTCGTACTTGGACAGCTTTTTATCCTGGCC[C>T]CACTGGGGAACCACCCTGCGTAAGCGGTCGAAGGCAGTGTTGAGCCCCTGCATGCGGCGG-3'

ClinVar aggregate classification (germline): Uncertain significance (1 of 4 stars; one submission).

Submission:

Labcorp Genetics (formerly Invitae), Labcorp
Classification: Uncertain significance. Last evaluated: 2022-06-14. Review status: criteria provided, single submitter. Criteria: Invitae Variant Classification Sherloc (09022015). Collection method: clinical testing. Allele origin: germline.
Comment: In summary, the available evidence is currently insufficient to determine the role of this variant in disease. Therefore, it has been classified as a Variant of Uncertain Significance. Experimental studies and prediction algorithms are not available or were not evaluated, and the functional significance of this variant is currently unknown. This variant has not been reported in the literature in individuals affected with ATOH7-related conditions. This variant is not present in population databases (gnomAD no frequency). This sequence change creates a premature translational stop signal (p.Trp70*) in the ATOH7 gene. While this is not anticipated to result in nonsense mediated decay, it is expected to disrupt the last 83 amino acid(s) of the ATOH7 protein.